The following is an entry in ClinVar:

NM_145239.3(PRRT2):c.520_521del (p.Ser174fs)

Genes: MVP-DT (MVP divergent transcript; minus strand), PRRT2 (proline rich transmembrane protein 2; plus strand). Cytogenetic location: 16p11.2.
Variant type: Microsatellite.
Coding change: c.520_521del on transcript NM_145239.3 (MANE Select); coding-DNA positions 520 to 521, 2 bases deleted (AG; older notation c.520_521delAG).
Protein change: p.Ser174fs; shifts the reading frame from serine 174.
Molecular consequence: frameshift variant.
Genome position (GRCh38, 1-based): chr16:29,813,574-29,813,575, AG deleted; deleting any 2 consecutive bases within chr16:29,813,571-29,813,575 gives the same sequence; the c. name uses the placement nearest the transcript's 3' end. VCF-style (leftmost placement, unchanged base first): chr16-29813570-TGA-T. GRCh37 (hg19) VCF-style: chr16-29824891-TGA-T.
Other names: c.520_521del, p.Ser174fs (NM_001256442.2, NM_001256443.2); short protein forms S174fs.
Identifiers: ClinVar variation 2026075 (VCV002026075.4), dbSNP rs2543334112, ClinGen allele CA2580612732.
Genomic context (GRCh38, chr16:29,813,570, plus strand): 5'-CAAGCCAGCCCTTCAACCAGAGCTCCCTACCCAGGAGGACCCCACCCCTGAGATTCTGTC[TGA>T]GAGTGTAGGGGAAAAGCAAGAGAATGGGGCAGTGGTGCCCCTGCAGGCTGGTGATGGGGA-3'

ClinVar aggregate classification (germline): Pathogenic (1 of 4 stars; one submission).

Conditions:
Episodic kinesigenic dyskinesia (EKD). Also called: Paroxysmal kinesigenic dyskinesia. Identifiers: Orphanet 98809, MedGen C1868682, MONDO:0044202.

Submission:

Labcorp Genetics (formerly Invitae), Labcorp
Classification: Pathogenic for Episodic kinesigenic dyskinesia. Last evaluated: 2026-01-12. Review status: criteria provided, single submitter. Criteria: Invitae Variant Classification Sherloc (09022015). Collection method: clinical testing. Allele origin: germline.
Comment: This sequence change creates a premature translational stop signal (p.Ser174Cysfs*17) in the PRRT2 gene. It is expected to result in an absent or disrupted protein product. Loss-of-function variants in PRRT2 are known to be pathogenic (PMID: 22623405, 22744660). This variant is not present in population databases (gnomAD no frequency). This variant has not been reported in the literature in individuals affected with PRRT2-related conditions. For these reasons, this variant has been classified as Pathogenic.

Literature cited by the submitters: PubMed 22623405; PubMed 22744660.